The following is an entry in ClinVar:

ClinVar aggregate classification (germline): Benign. Review status: criteria provided, multiple submitters, no conflicts (2 of 4 stars). 4 submissions from 4 submitters: Benign (4). Last evaluated 2026-01-21.

Conditions:
Age related macular degeneration 1 (ARMD1). Also called: MACULOPATHY, AGE-RELATED, 1. Identifiers: MedGen C1864205, MONDO:0011285, OMIM 603075.

Allele frequency attached by ClinVar (database versions not stated): gnomAD exomes 0.00069 and 0.00166; ExAC 0.00210; gnomAD 0.00639 and 0.00678; ESP Exome Variant Server 0.00677; 1000 Genomes Project 0.00719; TOPMed 0.00747; 1000 Genomes Project 30x 0.00781.
gnomAD v4.1: 2,031 of 1,613,582 alleles (0.13%); highest among the groups gnomAD compares: African/African-American, 2.2%; 22 homozygotes.

Submissions (4):

Labcorp Genetics (formerly Invitae), Labcorp
Classification: Benign. Last evaluated: 2026-01-21. Review status: criteria provided, single submitter. Criteria: Invitae Variant Classification Sherloc (09022015). Collection method: clinical testing. Allele origin: germline.

Genome-Nilou Lab
Classification: Benign for Age related macular degeneration 1. Last evaluated: 2023-04-11. Review status: criteria provided, single submitter. Criteria: ACMG Guidelines, 2015. Collection method: clinical testing. Allele origin: germline. Affected: no.

Illumina Laboratory Services, Illumina
Classification: Benign for Age related macular degeneration 1. Last evaluated: 2018-01-13. Review status: criteria provided, single submitter. Criteria: ICSL Variant Classification Criteria 13 December 2019. Collection method: clinical testing. Allele origin: germline.
Comment: This variant was observed in the ICSL laboratory as part of a predisposition screen in an ostensibly healthy population. It had not been previously curated by ICSL or reported in the Human Gene Mutation Database (HGMD: prior to June 1st, 2018), and was therefore a candidate for classification through an automated scoring system. Utilizing variant allele frequency, disease prevalence and penetrance estimates, and inheritance mode, an automated score was calculated to assess if this variant is too frequent to cause the disease. Based on the score and internal cut-off values, a variant classified as benign is not then subjected to further curation. The score for this variant resulted in a classification of benign for this disease.

Breakthrough Genomics
Classification: Benign. Review status: criteria provided, single submitter. Criteria: ACMG Guidelines, 2015. Collection method: not provided. Allele origin: germline. Inheritance: Autosomal dominant inheritance. Affected: yes.

NM_031935.3(HMCN1):c.4998T>C (p.Ala1666=)

Gene: HMCN1 (hemicentin 1; plus strand). Cytogenetic location: 1q31.1.
Variant type: single nucleotide variant.
Coding change: c.4998T>C on transcript NM_031935.3 (MANE Select); coding-DNA position 4998, T replaced by C.
Protein change: p.Ala1666=; no amino-acid change (alanine 1666 retained).
Molecular consequence: synonymous variant.
Genome position (GRCh38, 1-based): chr1:186,016,046, T>C. VCF-style: chr1-186016046-T-C. GRCh37 (hg19) VCF-style: chr1-185985178-T-C.
Identifiers: ClinVar variation 294159 (VCV000294159.15), dbSNP rs115874887, ClinGen allele CA1292157.